The following is an entry in ClinVar:

NM_012254.3(SLC27A5):c.100C>T (p.Arg34Cys)

Gene: SLC27A5 (solute carrier family 27 member 5; minus strand). Cytogenetic location: 19q13.43.
Variant type: single nucleotide variant.
Coding change: c.100C>T on transcript NM_012254.3 (MANE Select); coding-DNA position 100, C replaced by T.
Protein change: p.Arg34Cys; replaces arginine 34 with cysteine.
Molecular consequence: missense variant.
Genome position (GRCh38, 1-based): chr19:58,511,856, G>A on the plus strand (C>T on the coding strand, the complement: SLC27A5 is on the minus strand). VCF-style: chr19-58511856-G-A. GRCh37 (hg19) VCF-style: chr19-59023223-G-A.
Other names: c.100C>T, p.Arg34Cys (NM_001321196.2); c.100C>T (NM_012254.2); short protein forms R34C.
Identifiers: ClinVar variation 596454 (VCV000596454.7), dbSNP rs747784689, ClinGen allele CA9718352.

ClinVar aggregate classification (germline): Uncertain significance. Review status: criteria provided, multiple submitters, no conflicts (2 of 4 stars). 3 submissions from 3 submitters: Uncertain significance (2). 1 of the submissions does not count toward it. Last evaluated 2024-01-19.

Conditions:
SLC27A5-related disorder. Also called: SLC27A5-related condition.

Allele frequency attached by ClinVar (database versions not stated): gnomAD 0.00001 and 0.00002; gnomAD exomes 0.00001 and 0.00008; TOPMed 0.00003; ExAC 0.00005.
gnomAD v4.1: 25 of 1,558,016 alleles (0.0016%); highest among the groups gnomAD compares: Admixed American, 0.025%; no homozygotes.

Submissions (3):

Ambry Genetics
Classification: Uncertain significance. Last evaluated: 2024-01-19. Review status: criteria provided, single submitter. Criteria: Ambry Variant Classification Scheme 2023. Collection method: clinical testing. Allele origin: germline.

Eurofins Ntd Llc (ga)
Classification: Uncertain significance. Last evaluated: 2018-03-09. Review status: criteria provided, single submitter. Criteria: EGL ClinVar v180209 classification definitions. Collection method: clinical testing. Allele origin: germline. Observed: 1 variant allele, 1 heterozygote.

PreventionGenetics, part of Exact Sciences
Classification: Uncertain significance for SLC27A5-related condition. Last evaluated: 2024-05-29. Review status: no assertion criteria provided. Collection method: clinical testing. Allele origin: germline. Not counted in ClinVar's aggregate classification.
Comment: The SLC27A5 c.100C>T variant is predicted to result in the amino acid substitution p.Arg34Cys. To our knowledge, this variant has not been reported in the literature. This variant is reported in 0.035% of alleles in individuals of Latino descent in gnomAD. At this time, the clinical significance of this variant is uncertain due to the absence of conclusive functional and genetic evidence.